The following is an entry in ClinVar:

NM_012414.4(RAB3GAP2):c.2444A>T (p.Gln815Leu)

Gene: RAB3GAP2 (RAB3 GTPase activating non-catalytic protein subunit 2; minus strand). Cytogenetic location: 1q41.
Variant type: single nucleotide variant.
Coding change: c.2444A>T on transcript NM_012414.4 (MANE Select); coding-DNA position 2444, A replaced by T.
Protein change: p.Gln815Leu; replaces glutamine 815 with leucine.
Molecular consequence: missense variant.
Genome position (GRCh38, 1-based): chr1:220,172,022, T>A on the plus strand (A>T on the coding strand, the complement: RAB3GAP2 is on the minus strand). VCF-style: chr1-220172022-T-A. GRCh37 (hg19) VCF-style: chr1-220345364-T-A.
Other names: short protein forms Q815L.
Identifiers: ClinVar variation 4782634 (VCV004782634.1).
Genomic context (GRCh38, chr1:220,172,022, plus strand): 5'-CCATTGTTCTCAGACTGAATACAGGCTGTGCGCATCTGCTGCCACCATGGGGACACAGAC[T>A]GAGAATCCCAGGTCTCATCGATGGCCACTATAGGGATAGGAGAAAACAGAAAAATAAACT-3'
Protein context (NP_036546.2, residues 805-825): KVAIDETWDS[Gln815Leu]SVSPWWQQMR

ClinVar aggregate classification (germline): Uncertain significance (1 of 4 stars; one submission).

Conditions:
Warburg micro syndrome 2 (WARBM2). Also called: MICRO SYNDROME 2. Identifiers: Orphanet 2510, MedGen C3280214, MONDO:0013641, OMIM 614225.
Martsolf syndrome (MARTS). Also called: Congenital cataract with intellectual disability and hypogonadotropic hypogonadism syndrome. Identifiers: Orphanet 1387, MedGen C0796037, MONDO:0023910.

Submission:

Labcorp Genetics (formerly Invitae), Labcorp
Classification: Uncertain significance for Martsolf syndrome; Warburg micro syndrome 2. Last evaluated: 2025-11-20. Review status: criteria provided, single submitter. Criteria: Invitae Variant Classification Sherloc (09022015). Collection method: clinical testing. Allele origin: germline.
Comment: This sequence change replaces glutamine, which is neutral and polar, with leucine, which is neutral and non-polar, at codon 815 of the RAB3GAP2 protein (p.Gln815Leu). This variant is not present in population databases (gnomAD no frequency). This variant has not been reported in the literature in individuals affected with RAB3GAP2-related conditions. Invitae Evidence Modeling of protein sequence and biophysical properties (such as structural, functional, and spatial information, amino acid conservation, physicochemical variation, residue mobility, and thermodynamic stability) indicates that this missense variant is not expected to disrupt RAB3GAP2 protein function with a negative predictive value of 80%. In summary, the available evidence is currently insufficient to determine the role of this variant in disease. Therefore, it has been classified as a Variant of Uncertain Significance.